The following is an entry in ClinVar:

NM_004370.6(COL12A1):c.2816_2818del (p.Trp939_Lys940delinsTer)

Gene: COL12A1 (collagen type XII alpha 1 chain; minus strand). Cytogenetic location: 6q13.
Variant type: Deletion.
Coding change: c.2816_2818del on transcript NM_004370.6 (MANE Select); coding-DNA positions 2816 to 2818, 3 bases deleted (GGA; older notation c.2816_2818delGGA).
Protein change: p.Trp939_Lys940delinsTer.
Molecular consequence: nonsense. On other transcripts: intron variant (2).
Genome position (GRCh38, 1-based): chr6:75,165,672-75,165,674, TCC deleted on the plus strand (GGA on the coding strand, the reverse complement: COL12A1 is on the minus strand). VCF-style (leftmost placement, unchanged base first): chr6-75165671-TTCC-T. GRCh37 (hg19) VCF-style: chr6-75875387-TTCC-T.
Other names: c.2816_2818del, p.Trp939_Lys940delinsTer (NM_001424113.1, NM_001424114.1); c.2543_2545del, p.Trp848_Lys849delinsTer (NM_001424115.1); c.74-13192_74-13190del (NM_001424116.1, NM_080645.3).
Identifiers: ClinVar variation 4854237 (VCV004854237.1).
Genomic context (GRCh38, chr6:75,165,671, plus strand): 5'-GTATGAATTGCATCTTCAGGCAGATTTTTCTCTCCAGTGTCAACATCATCATAAAGTGAT[TTCC>T]ATGAGACCCTGTAACCGCGAACCATTCCTGGAGCAGATGTCCAATAAGCCCCAATTGATG-3'

ClinVar aggregate classification (germline): Likely pathogenic (1 of 4 stars; one submission).

Conditions:
Bethlem myopathy 2 (BTHLM2). Identifiers: Orphanet 536516, Orphanet 610, MedGen C4225313, MONDO:0034022, OMIM 616471.

Submission:

3billion
Classification: Likely pathogenic for Bethlem myopathy 2. Last evaluated: 2025-07-16. Review status: criteria provided, single submitter. Criteria: ACMG Guidelines, 2015. Collection method: clinical testing. Allele origin: germline. Affected: yes.
Comment: The variant is not observed in the gnomAD v4.1.0 dataset. Predicted Consequence/Location: Stop-gained (nonsense): predicted to result in a loss or disruption of normal protein function through nonsense-mediated decay (NMD) or protein truncation. Multiple pathogenic variants are reported downstream of the variant. Therefore, this variant is classified as Likely pathogenic according to the recommendation of ACMG/AMP guideline.